The following is an entry in ClinVar:

NM_005609.4(PYGM):c.2312+19G>A

Gene: PYGM (glycogen phosphorylase, muscle associated; minus strand). Cytogenetic location: 11q13.1.
Variant type: single nucleotide variant.
Coding change: c.2312+19G>A on transcript NM_005609.4 (MANE Select); 19 bases into the intron after coding-DNA position 2312, G replaced by A.
Molecular consequence: intron variant.
Genome position (GRCh38, 1-based): chr11:64,747,205, C>T on the plus strand (G>A on the coding strand, the complement: PYGM is on the minus strand). VCF-style: chr11-64747205-C-T. GRCh37 (hg19) VCF-style: chr11-64514677-C-T.
Other names: c.2312+19G>A (NM_005609.3); c.2048+19G>A (NM_001164716.1).
Identifiers: ClinVar variation 2142680 (VCV002142680.6), dbSNP rs756015534, ClinGen allele CA6079563.

ClinVar aggregate classification (germline): Likely benign. Review status: criteria provided, multiple submitters, no conflicts (2 of 4 stars). 2 submissions from 2 submitters: Likely benign (2). Last evaluated 2025-01-09.

Conditions:
Glycogen storage disease, type V (GSD5). Also called: MCARDLE DISEASE; MUSCLE GLYCOGEN PHOSPHORYLASE DEFICIENCY; MYOPHOSPHORYLASE DEFICIENCY; PYGM DEFICIENCY; McArdle type glycogen storage disease. Identifiers: Orphanet 368, MedGen C0017924, MONDO:0009293, OMIM 232600.

Allele frequency attached by ClinVar (database versions not stated): gnomAD exomes 0.00001; gnomAD 0.00003; ExAC 0.00004.
gnomAD v4.1: 22 of 1,613,526 alleles (0.0014%); highest among the groups gnomAD compares: Admixed American, 0.032%; no homozygotes.

Submissions (2):

Women's Health and Genetics/Laboratory Corporation of America, LabCorp
Classification: Likely benign. Last evaluated: 2025-01-09. Review status: criteria provided, single submitter. Criteria: LabCorp Variant Classification Summary - May 2015. Collection method: clinical testing. Allele origin: germline.
Comment: Variant summary: PYGM c.2312+19G>A alters a non-conserved nucleotide located at a position not widely known to affect splicing. Consensus agreement among computation tools predict no significant impact on normal splicing. However, these predictions have yet to be confirmed by functional studies. The variant allele was found at a frequency of 5.6e-05 in 251436 control chromosomes. This frequency is not significantly higher than estimated for a pathogenic variant in PYGM causing Glycogen Storage Disease, Type V (5.6e-05 vs 0.0035), allowing no conclusion about variant significance. To our knowledge, no occurrence of c.2312+19G>A in individuals affected with Glycogen Storage Disease, Type V and no experimental evidence demonstrating its impact on protein function have been reported. ClinVar contains an entry for this variant (Variation ID: 2142680). Based on the evidence outlined above, the variant was classified as likely benign.

Labcorp Genetics (formerly Invitae), Labcorp
Classification: Likely benign for Glycogen storage disease, type V. Last evaluated: 2024-09-03. Review status: criteria provided, single submitter. Criteria: Invitae Variant Classification Sherloc (09022015). Collection method: clinical testing. Allele origin: germline.